The following is an entry in ClinVar:

ClinVar aggregate classification (germline): Uncertain significance (1 of 4 stars; one submission).

Conditions:
Neonatal-onset encephalopathy with rigidity and seizures. Also called: Lethal neonatal spasticity-epileptic encephalopathy syndrome. Identifiers: Orphanet 435845, MedGen C3281029, MONDO:0013784, OMIM 614498.

gnomAD v4.1: 1 of 1,612,322 alleles (0.000062%); highest among the groups gnomAD compares: East Asian, 0.0022%; no homozygotes.

Submission:

Labcorp Genetics (formerly Invitae), Labcorp
Classification: Uncertain significance for Neonatal-onset encephalopathy with rigidity and seizures. Last evaluated: 2023-08-25. Review status: criteria provided, single submitter. Criteria: Invitae Variant Classification Sherloc (09022015). Collection method: clinical testing. Allele origin: germline.
Comment: In summary, the available evidence is currently insufficient to determine the role of this variant in disease. Therefore, it has been classified as a Variant of Uncertain Significance. Advanced modeling of protein sequence and biophysical properties (such as structural, functional, and spatial information, amino acid conservation, physicochemical variation, residue mobility, and thermodynamic stability) performed at Invitae indicates that this missense variant is not expected to disrupt BRAT1 protein function. ClinVar contains an entry for this variant (Variation ID: 1047632). This variant has not been reported in the literature in individuals affected with BRAT1-related conditions. This variant is not present in population databases (gnomAD no frequency). This sequence change replaces alanine, which is neutral and non-polar, with valine, which is neutral and non-polar, at codon 362 of the BRAT1 protein (p.Ala362Val).

NM_152743.4(BRAT1):c.1085C>T (p.Ala362Val)

Gene: BRAT1 (BRCA1 associated ATM activator 1; minus strand). Cytogenetic location: 7p22.3.
Variant type: single nucleotide variant.
Coding change: c.1085C>T on transcript NM_152743.4 (MANE Select); coding-DNA position 1085, C replaced by T.
Protein change: p.Ala362Val; replaces alanine 362 with valine.
Molecular consequence: missense variant. On other transcripts: non-coding transcript variant (1).
Genome position (GRCh38, 1-based): chr7:2,541,767, G>A on the plus strand (C>T on the coding strand, the complement: BRAT1 is on the minus strand). VCF-style: chr7-2541767-G-A. GRCh37 (hg19) VCF-style: chr7-2581401-G-A.
Other names: c.1085C>T, p.Ala362Val (NM_001350626.2); c.560C>T, p.Ala187Val (NM_001350627.2); short protein forms A187V, A362V.
Identifiers: ClinVar variation 1047632 (VCV001047632.8), dbSNP rs1779187017, ClinGen allele CA366629738.